The following is an entry in ClinVar:

ClinVar aggregate classification (germline): Uncertain significance (1 of 4 stars; one submission).

Submission:

Labcorp Genetics (formerly Invitae), Labcorp
Classification: Uncertain significance. Last evaluated: 2025-12-20. Review status: criteria provided, single submitter. Criteria: Invitae Variant Classification Sherloc (09022015). Collection method: clinical testing. Allele origin: germline.
Comment: This sequence change replaces valine, which is neutral and non-polar, with alanine, which is neutral and non-polar, at codon 3 of the CEP97 protein (p.Val3Ala). This variant is not present in population databases (gnomAD no frequency). This variant has not been reported in the literature in individuals affected with CEP97-related conditions. An algorithm developed to predict the effect of missense changes on protein structure and function outputs the following: PolyPhen-2: "Benign". The alanine amino acid residue is found in multiple mammalian species, which suggests that this missense change does not adversely affect protein function. In summary, the available evidence is currently insufficient to determine the role of this variant in disease. Therefore, it has been classified as a Variant of Uncertain Significance.

NM_024548.4(CEP97):c.8T>C (p.Val3Ala)

Genes: CEP97 (centrosomal protein 97; plus strand), LOC129937160 (ATAC-STARR-seq lymphoblastoid active region 20177; plus strand). Cytogenetic location: 3q12.3.
Variant type: single nucleotide variant.
Coding change: c.8T>C on transcript NM_024548.4 (MANE Select); coding-DNA position 8, T replaced by C.
Protein change: p.Val3Ala; replaces valine 3 with alanine.
Molecular consequence: missense variant.
Genome position (GRCh38, 1-based): chr3:101,724,684, T>C. VCF-style: chr3-101724684-T-C. GRCh37 (hg19) VCF-style: chr3-101443528-T-C.
Other names: c.8T>C, p.Val3Ala (NM_001303401.2, NM_001410784.1, NM_001410785.1); short protein forms V3A.
Identifiers: ClinVar variation 4811701 (VCV004811701.1).